The following is an entry in ClinVar:

ClinVar aggregate classification (germline): Uncertain significance (1 of 4 stars; one submission).

Submission:

GeneDx
Classification: Uncertain significance. Last evaluated: 2025-01-28. Review status: criteria provided, single submitter. Criteria: GeneDx Variant Classification Process June 2021. Collection method: clinical testing. Allele origin: germline. Affected: yes.
Comment: Has not been previously published as pathogenic or benign to our knowledge; In silico analysis indicates that this missense variant does not alter protein structure/function

NM_144973.4(DENND5B):c.1363G>A (p.Ala455Thr)

Gene: DENND5B (DENN domain containing 5B; minus strand). Cytogenetic location: 12p11.21.
Variant type: single nucleotide variant.
Coding change: c.1363G>A on transcript NM_144973.4 (MANE Select); coding-DNA position 1363, G replaced by A.
Protein change: p.Ala455Thr; replaces alanine 455 with threonine.
Molecular consequence: missense variant.
Genome position (GRCh38, 1-based): chr12:31,452,206, C>T on the plus strand (G>A on the coding strand, the complement: DENND5B is on the minus strand). VCF-style: chr12-31452206-C-T. GRCh37 (hg19) VCF-style: chr12-31605140-C-T.
Other names: c.1468G>A, p.Ala490Thr (NM_001308339.2); c.1429G>A, p.Ala477Thr (NM_001366890.1, NM_001366893.1); c.832G>A, p.Ala278Thr (NM_001366891.1); c.1363G>A, p.Ala455Thr (NM_001366892.1); short protein forms A278T, A455T, A477T, A490T.
Identifiers: ClinVar variation 4072573 (VCV004072573.1).